The following is an entry in ClinVar:

ClinVar aggregate classification (germline): Conflicting classifications of pathogenicity. Review status: criteria provided, conflicting classifications (1 of 4 stars). 2 submissions from 2 submitters: Uncertain significance (1); Benign (1). Last evaluated 2024-06-24.

Conditions:
Ehlers-Danlos syndrome, classic type, 1 (EDSCL1). Also called: EHLERS-DANLOS SYNDROME, GRAVIS TYPE; EHLERS-DANLOS SYNDROME, SEVERE CLASSIC TYPE; EDS I; Ehlers-Danlos Syndrome, Classic Type, COL5A1-Related; Ehlers-Danlos syndrome, type 1. Identifiers: MedGen C0268335, MONDO:0019567, OMIM 130000.

Allele frequency attached by ClinVar (database versions not stated): gnomAD exomes 0.00001; ESP Exome Variant Server 0.00008; ExAC 0.00002.
gnomAD v4.1: 2 of 1,613,558 alleles (0.00012%); highest among the groups gnomAD compares: South Asian, 0.0022%; no homozygotes.

Submissions (2):

Labcorp Genetics (formerly Invitae), Labcorp
Classification: Benign for Ehlers-Danlos syndrome, classic type, 1. Last evaluated: 2024-06-24. Review status: criteria provided, single submitter. Criteria: Invitae Variant Classification Sherloc (09022015). Collection method: clinical testing. Allele origin: germline.

GeneDx
Classification: Uncertain significance. Last evaluated: 2023-09-01. Review status: criteria provided, single submitter. Criteria: GeneDx Variant Classification Process June 2021. Collection method: clinical testing. Allele origin: germline. Affected: yes.
Comment: Has not been previously published as pathogenic or benign to our knowledge; Not observed at significant frequency in large population cohorts (gnomAD); Not located in the triple helical region, where the majority of pathogenic missense variants occur (Symoens et al., 2012; HGMD); In silico analysis supports that this missense variant does not alter protein structure/function

NM_000093.5(COL5A1):c.5234A>G (p.His1745Arg)

Genes: COL5A1 (collagen type V alpha 1 chain; plus strand), LOC101448202 (uncharacterized LOC101448202; minus strand). Cytogenetic location: 9q34.3.
Variant type: single nucleotide variant.
Coding change: c.5234A>G on transcript NM_000093.5 (MANE Select); coding-DNA position 5234, A replaced by G.
Protein change: p.His1745Arg; replaces histidine 1745 with arginine.
Molecular consequence: missense variant.
Genome position (GRCh38, 1-based): chr9:134,835,068, A>G. VCF-style: chr9-134835068-A-G. GRCh37 (hg19) VCF-style: chr9-137726914-A-G.
Other names: c.5234A>G (NM_000093.3); c.5234A>G, p.His1745Arg (NM_001278074.1); short protein forms H1745R.
Identifiers: ClinVar variation 459710 (VCV000459710.12), dbSNP rs370607849, ClinGen allele CA5320673.